The following is an entry in ClinVar:

ClinVar aggregate classification (germline): Uncertain significance (1 of 4 stars; one submission).

Conditions:
Long QT syndrome (LQTS). Identifiers: MedGen C0023976, MeSH D008133, MONDO:0002442. Disease mechanism: loss of function. Inheritance: Various modes of inheritance.

Allele frequency attached by ClinVar (database versions not stated): ESP Exome Variant Server 0.00008.
gnomAD v4.1: 20 of 1,614,114 alleles (0.0012%); highest among the groups gnomAD compares: Non-Finnish European, 0.0017%; no homozygotes.

Submission:

Labcorp Genetics (formerly Invitae), Labcorp
Classification: Uncertain significance for Long QT syndrome. Last evaluated: 2022-11-01. Review status: criteria provided, single submitter. Criteria: Invitae Variant Classification Sherloc (09022015). Collection method: clinical testing. Allele origin: germline.
Comment: In summary, the available evidence is currently insufficient to determine the role of this variant in disease. Therefore, it has been classified as a Variant of Uncertain Significance. Algorithms developed to predict the effect of sequence changes on RNA splicing suggest that this variant may create or strengthen a splice site. This variant has not been reported in the literature in individuals affected with SNTA1-related conditions. This variant is not present in population databases (gnomAD no frequency). This sequence change creates a premature translational stop signal (p.Ser495*) in the SNTA1 gene. While this is not anticipated to result in nonsense mediated decay, it is expected to disrupt the last 11 amino acid(s) of the SNTA1 protein.

NM_003098.3(SNTA1):c.1484C>A (p.Ser495Ter)

Gene: SNTA1 (syntrophin alpha 1; minus strand). Cytogenetic location: 20q11.21.
Variant type: single nucleotide variant.
Coding change: c.1484C>A on transcript NM_003098.3 (MANE Select); coding-DNA position 1484, C replaced by A.
Protein change: p.Ser495Ter; replaces serine 495 with a stop codon.
Molecular consequence: nonsense. On other transcripts: 3 prime UTR variant (1).
Genome position (GRCh38, 1-based): chr20:33,408,541, G>T on the plus strand (C>A on the coding strand, the complement: SNTA1 is on the minus strand). VCF-style: chr20-33408541-G-T. GRCh37 (hg19) VCF-style: chr20-31996347-G-T.
Other names: c.1481C>A, p.Ser494Ter (NM_001424413.1); c.*25C>A (NM_001424414.1); short protein forms S495*, S494*.
Identifiers: ClinVar variation 2913646 (VCV002913646.3), dbSNP rs144006909, ClinGen allele CA313251011.